The following is an entry in ClinVar:

ClinVar aggregate classification (germline): Conflicting classifications of pathogenicity. Review status: criteria provided, conflicting classifications (1 of 4 stars). 7 submissions from 7 submitters: Likely pathogenic (3); Uncertain significance (3). 1 of the submissions does not count toward it. Last evaluated 2025-05-15.

Conditions:
VARS2-related disorder. Also called: VARS2-related disorders; VARS2-related condition.
Inborn genetic diseases. Identifiers: MedGen C0950123, MeSH D030342.
Combined oxidative phosphorylation defect type 20. Also called: Combined oxidative phosphorylation deficiency 20. Identifiers: Orphanet 420728, MedGen C4014660, MONDO:0014397, OMIM 615917.

Allele frequency attached by ClinVar (database versions not stated): ExAC 0.00002; gnomAD exomes 0.00003; ESP Exome Variant Server 0.00008; gnomAD 0.00010 and 0.00011; TOPMed 0.00013.
gnomAD v4.1: 39 of 1,613,864 alleles (0.0024%); highest among the groups gnomAD compares: African/African-American, 0.039%; no homozygotes.

Submissions (7):

GeneDx
Classification: Uncertain significance. Last evaluated: 2025-05-15. Review status: criteria provided, single submitter. Criteria: GeneDx Variant Classification Process June 2021. Collection method: clinical testing. Allele origin: germline. Affected: yes.
Comment: In silico analysis supports that this missense variant has a deleterious effect on protein structure/function; This variant is associated with the following publications: (PMID: 27290639, 24827421, 23433712, 30458719, 21708121, 29478218, 25058219, 27502409)

Women's Health and Genetics/Laboratory Corporation of America, LabCorp
Classification: Uncertain significance. Last evaluated: 2025-04-21. Review status: criteria provided, single submitter. Criteria: LabCorp Variant Classification Summary - May 2015. Collection method: clinical testing. Allele origin: germline.
Comment: Variant summary: VARS2 c.511C>T (p.Arg171Trp) results in a non-conservative amino acid change in the encoded protein sequence. Four of five in-silico tools predict a damaging effect of the variant on protein function. The variant allele was found at a frequency of 2.4e-05 in 1606868 control chromosomes, predominantly at a frequency of 0.00039 within the African or African-American subpopulation in the gnomAD database (v4.1). This frequency is not significantly higher than estimated for a pathogenic variant in VARS2 causing Combined Oxidative Phosphorylation Defect Type 20, allowing no conclusion about variant significance. The variant, c.511C>T, has been observed in at least one compound heterozygous individual affected with Combined Oxidative Phosphorylation Defect Type 20 (Baertling_2017), who carried a pathogenic variant in trans. Authors of the study reported experimental evidence evaluating an impact on protein function, and demonstrated highly decreased VARS2 protein levels (residual protein level <30%) in patient derived fibroblasts (Baertling_2017). The following publication has been ascertained in the context of this evaluation (PMID: 27502409). ClinVar contains an entry for this variant (Variation ID: 488636). Based on the evidence outlined above, the variant was classified as VUS-possibly pathogenic.

Blueprint Genetics
Classification: Likely pathogenic for VARS2-related disorders. Last evaluated: 2023-11-24. Review status: criteria provided, single submitter. Criteria: ACMG Guidelines, 2015. Collection method: clinical testing. Allele origin: germline. Affected: yes. Observed: 2 variant alleles.

CeGaT Center for Human Genetics Tuebingen
Classification: Uncertain significance. Last evaluated: 2023-01-01. Review status: criteria provided, single submitter. Criteria: CeGaT Center For Human Genetics Tuebingen Variant Classification Criteria Version 2. Collection method: clinical testing. Allele origin: germline. Affected: yes. Observed: 1 variant allele.
Comment: VARS2: PM2, PM3

Institute of Human Genetics Munich, TUM University Hospital
Classification: Likely pathogenic for Combined oxidative phosphorylation defect type 20. Last evaluated: 2017-11-16. Review status: criteria provided, single submitter. Criteria: Classification criteria August 2017. Collection method: clinical testing. Allele origin: paternal. Inheritance: Autosomal recessive inheritance. Affected: yes. Observed: 1 compound heterozygote.

Ambry Genetics
Classification: Likely pathogenic for Inborn genetic diseases. Last evaluated: 2017-08-22. Review status: criteria provided, single submitter. Criteria: Ambry exome assertion method (8-5-2015). Collection method: clinical testing. Allele origin: germline. Affected: yes. Observed: 1 variant allele.

OMIM
Classification: Pathogenic for COMBINED OXIDATIVE PHOSPHORYLATION DEFICIENCY 20. Last evaluated: 2020-07-13. Review status: no assertion criteria provided. Collection method: literature only. Allele origin: germline. Not counted in ClinVar's aggregate classification.

Literature cited by the submitters: PubMed 27502409 (cited by 4 submitters).

NM_020442.6(VARS2):c.511C>T (p.Arg171Trp)

Gene: VARS2 (valyl-tRNA synthetase 2, mitochondrial; plus strand). Cytogenetic location: 6p21.33.
Variant type: single nucleotide variant.
Coding change: c.511C>T on transcript NM_020442.6 (MANE Select); coding-DNA position 511, C replaced by T.
Protein change: p.Arg171Trp; replaces arginine 171 with tryptophan.
Molecular consequence: missense variant.
Genome position (GRCh38, 1-based): chr6:30,915,985, C>T. VCF-style: chr6-30915985-C-T. GRCh37 (hg19) VCF-style: chr6-30883762-C-T.
Other names: c.91C>T, p.Arg31Trp (NM_001167733.3); c.601C>T, p.Arg201Trp (NM_001167734.2); short protein forms R171W, R201W, R31W.
Identifiers: ClinVar variation 488636 (VCV000488636.36), dbSNP rs139515727, ClinGen allele CA3705627.